The following is an entry in ClinVar:

NM_001918.5(DBT):c.252G>A (p.Trp84Ter)

Gene: DBT (dihydrolipoamide branched chain transacylase E2; minus strand). Cytogenetic location: 1p21.2.
Variant type: single nucleotide variant.
Coding change: c.252G>A on transcript NM_001918.5 (MANE Select); coding-DNA position 252, G replaced by A.
Protein change: p.Trp84Ter; replaces tryptophan 84 with a stop codon.
Molecular consequence: nonsense. On other transcripts: 5 prime UTR variant (2), non-coding transcript variant (3).
Genome position (GRCh38, 1-based): chr1:100,230,914, C>T on the plus strand (G>A on the coding strand, the complement: DBT is on the minus strand). VCF-style: chr1-100230914-C-T. GRCh37 (hg19) VCF-style: chr1-100696470-C-T.
Other names: c.-292G>A (NM_001399969.1, NM_001399972.1); short protein forms W84*.
Identifiers: ClinVar variation 3580568 (VCV003580568.2).

ClinVar aggregate classification (germline): Pathogenic/Likely pathogenic. Review status: criteria provided, multiple submitters, no conflicts (2 of 4 stars). 2 submissions from 2 submitters: Pathogenic (1); Likely pathogenic (1). Last evaluated 2024-01-10.

Conditions:
Maple syrup urine disease type 2 (MSUD2). Also called: Maple syrup urine disease, type II. Identifiers: MedGen C1855371, MONDO:0023693, OMIM 620699.

Submissions (2):

Fulgent Genetics
Classification: Likely pathogenic for Maple syrup urine disease type 2. Last evaluated: 2024-01-10. Review status: criteria provided, single submitter. Criteria: ACMG Guidelines, 2015. Collection method: clinical testing. Allele origin: germline.

Myriad Genetics, Inc.
Classification: Pathogenic for Maple syrup urine disease type 2. Last evaluated: 2024-01-10. Review status: criteria provided, single submitter. Criteria: Myriad Autosomal Dominant, Autosomal Recessive and X-Linked Classification Criteria (2023). Collection method: clinical testing. Allele origin: unknown.
Comment: NM_001918.3(DBT):c.252G>A(W84*) is expected to be pathogenic in the context of maple syrup urine disease type II. This variant is predicted to lead to an abnormal or absent protein product due to the creation of a premature termination codon in DBT, a gene where loss-of-function variants are known to be pathogenic. Please note: this variant was assessed in the context of healthy population screening.